The following is an entry in ClinVar:

NM_001164508.2(NEB):c.10056C>G (p.Asp3352Glu)

Gene: NEB (nebulin; minus strand). Cytogenetic location: 2q23.3.
Variant type: single nucleotide variant.
Coding change: c.10056C>G on transcript NM_001164508.2 (MANE Select); coding-DNA position 10056, C replaced by G.
Protein change: p.Asp3352Glu; replaces aspartic acid 3352 with glutamic acid.
Molecular consequence: missense variant.
Genome position (GRCh38, 1-based): chr2:151,627,610, G>C on the plus strand (C>G on the coding strand, the complement: NEB is on the minus strand). VCF-style: chr2-151627610-G-C. GRCh37 (hg19) VCF-style: chr2-152484124-G-C.
Other names: c.10056C>G, p.Asp3352Glu (NM_001164507.2, NM_001271208.2); c.9327C>G, p.Asp3109Glu (NM_004543.5); short protein forms D3109E, D3352E.
Identifiers: ClinVar variation 2128817 (VCV002128817.1), dbSNP rs1344960458, ClinGen allele CA348794761.
Genomic context (GRCh38, chr2:151,627,610, plus strand): 5'-AGCATGGATGACATCATTCTGGTCGGGCAGGCACGTCCACTCGTGCAGGTAGTTCTTGTA[G>C]TCCACATCGCTGACTAAGGTCTGGCACTTCTTGGCTAACACCACTCCCAGCATGTCCACT-3'
Protein context (NP_001157980.2, residues 3342-3362): KKCQTLVSDV[Asp3352Glu]YKNYLHEWTC

ClinVar aggregate classification (germline): Uncertain significance (1 of 4 stars; one submission).

Conditions:
Nemaline myopathy 2 (NEM2). Also called: Nemaline myopathy 2, autosomal recessive. Identifiers: MedGen C1850569, MONDO:0009725, OMIM 256030.

Allele frequency attached by ClinVar (database versions not stated): gnomAD exomes 0.00001.
gnomAD v4.1: 3 of 1,613,996 alleles (0.00019%); highest among the groups gnomAD compares: East Asian, 0.0067%; no homozygotes.

Submission:

Labcorp Genetics (formerly Invitae), Labcorp
Classification: Uncertain significance for Nemaline myopathy 2. Last evaluated: 2022-04-21. Review status: criteria provided, single submitter. Criteria: Invitae Variant Classification Sherloc (09022015). Collection method: clinical testing. Allele origin: germline.
Comment: This sequence change replaces aspartic acid, which is acidic and polar, with glutamic acid, which is acidic and polar, at codon 3352 of the NEB protein (p.Asp3352Glu). This variant is present in population databases (no rsID available, gnomAD 0.006%). This variant has not been reported in the literature in individuals affected with NEB-related conditions. Algorithms developed to predict the effect of missense changes on protein structure and function are either unavailable or do not agree on the potential impact of this missense change (SIFT: "Deleterious"; PolyPhen-2: "Not Available"; Align-GVGD: "Class C0"). In summary, the available evidence is currently insufficient to determine the role of this variant in disease. Therefore, it has been classified as a Variant of Uncertain Significance.